The following is an entry in ClinVar:

ClinVar aggregate classification (germline): Likely benign. Review status: criteria provided, multiple submitters, no conflicts (2 of 4 stars). 2 submissions from 2 submitters: Likely benign (2). Last evaluated 2025-01-04.

Conditions:
SLC13A5-related disorder. Also called: SLC13A5-related condition.
Developmental and epileptic encephalopathy, 25 (DEE25). Also called: Developmental and epileptic encephalopathy 25, with amelogenesis imperfecta; Epileptic encephalopathy, early infantile, 25, with amelogenesis imperfecta; Epileptic encephalopathy, early infantile, 25. Identifiers: Orphanet 442835, MedGen C4014621, MONDO:0014392, OMIM 615905.

Allele frequency attached by ClinVar (database versions not stated): gnomAD exomes 0.00001 and 0.00003; gnomAD 0.00005 and 0.00006; TOPMed 0.00005.
gnomAD v4.1: 11 of 1,531,506 alleles (0.00072%); highest among the groups gnomAD compares: African/African-American, 0.014%; no homozygotes.

Submissions (2):

PreventionGenetics, part of Exact Sciences
Classification: Likely benign for SLC13A5-related condition. Last evaluated: 2025-01-04. Review status: criteria provided, single submitter. Criteria: ACMG Guidelines, 2015. Collection method: clinical testing. Allele origin: germline.
Comment: This variant is classified as likely benign based on ACMG/AMP sequence variant interpretation guidelines (Richards et al. 2015 PMID: 25741868, with internal and published modifications).

Labcorp Genetics (formerly Invitae), Labcorp
Classification: Likely benign for Developmental and epileptic encephalopathy, 25. Last evaluated: 2023-08-09. Review status: criteria provided, single submitter. Criteria: Invitae Variant Classification Sherloc (09022015). Collection method: clinical testing. Allele origin: germline.

NM_177550.5(SLC13A5):c.547+8C>T

Gene: SLC13A5 (solute carrier family 13 member 5; minus strand). Cytogenetic location: 17p13.1.
Variant type: single nucleotide variant.
Coding change: c.547+8C>T on transcript NM_177550.5 (MANE Select); 8 bases into the intron after coding-DNA position 547, C replaced by T.
Molecular consequence: intron variant.
Genome position (GRCh38, 1-based): chr17:6,703,870, G>A on the plus strand (C>T on the coding strand, the complement: SLC13A5 is on the minus strand). VCF-style: chr17-6703870-G-A. GRCh37 (hg19) VCF-style: chr17-6607189-G-A.
Other names: c.418+8C>T (NM_001284510.2); c.496+8C>T (NM_001284509.2); c.547+8C>T (NM_001143838.3).
Identifiers: ClinVar variation 761610 (VCV000761610.11), dbSNP rs1270343571, ClinGen allele CA624676632.